The following is an entry in ClinVar:

ClinVar aggregate classification (germline): Conflicting classifications of pathogenicity. Review status: criteria provided, conflicting classifications (1 of 4 stars). 4 submissions from 4 submitters: Uncertain significance (3); Likely benign (1). Last evaluated 2025-07-18.

Conditions:
Paramyotonia congenita of Von Eulenburg. Also called: PARALYSIS PERIODICA PARAMYOTONICA; Eulenburg disease; Myotonia congenita intermittens; Von Eulenburg paramyotonia congenita; Paramyotonia Congenita. Identifiers: Orphanet 684, MedGen C0221055, MONDO:0008195, OMIM 168300. Disease mechanism: loss of function.
Congenital myopathy 22A, classic (CMYO22A). Identifiers: MedGen C5830453, MONDO:0957247, OMIM 620351.
Congenital myopathy 22B, severe fetal (CMYO22B). Identifiers: MedGen C5830501, MONDO:0957265, OMIM 620369.
Congenital myasthenic syndrome 16. Identifiers: Orphanet 590, MedGen C3280112, MONDO:0013620, OMIM 614198.
Hypokalemic periodic paralysis, type 2 (HOKPP2). Identifiers: Orphanet 681, MedGen C2750061, MONDO:0013234, OMIM 613345.
Potassium-aggravated myotonia. Also called: Myotonia congenita, atypical, acetazolamide-responsive; MYOTONIA CONGENITA, ACETAZOLAMIDE-RESPONSIVE; MYOTONIA CONGENITA, ATYPICAL; SODIUM CHANNEL MUSCLE DISEASE. Identifiers: Orphanet 612, Orphanet 99734, Orphanet 99735, Orphanet 99736, MedGen C2931826, MONDO:0018959, OMIM 608390.
Hyperkalemic periodic paralysis. Also called: Gamstorp disease; Familial hyperkalemic periodic paralysis. Identifiers: Orphanet 682, MedGen C0238357, MONDO:0008224, OMIM 170500, HP:0007215.

Allele frequency attached by ClinVar (database versions not stated): gnomAD 0.00001; TOPMed 0.00002.
gnomAD v4.1: 26 of 1,592,334 alleles (0.0016%); highest among the groups gnomAD compares: Non-Finnish European, 0.0021%; no homozygotes.

Submissions (4):

Athena Diagnostics
Classification: Uncertain significance. Last evaluated: 2025-07-18. Review status: criteria provided, single submitter. Criteria: Athena Diagnostics Criteria. Collection method: clinical testing. Allele origin: unknown.
Comment: Available data are insufficient to determine the clinical significance of the variant at this time. The frequency of this variant in the general population is uninformative in assessment of its pathogenicity. Computational tools yielded inconclusive predictions regarding the effect of this variant on RNA splicing.

GeneDx
Classification: Uncertain significance. Last evaluated: 2024-09-17. Review status: criteria provided, single submitter. Criteria: GeneDx Variant Classification Process June 2021. Collection method: clinical testing. Allele origin: germline. Affected: yes.
Comment: Not observed at significant frequency in large population cohorts (gnomAD); In silico analysis indicates that this variant does not alter splicing; Has not been previously published as pathogenic or benign to our knowledge

Labcorp Genetics (formerly Invitae), Labcorp
Classification: Likely benign for Hyperkalemic periodic paralysis. Last evaluated: 2024-01-15. Review status: criteria provided, single submitter. Criteria: Invitae Variant Classification Sherloc (09022015). Collection method: clinical testing. Allele origin: germline.

Fulgent Genetics
Classification: Uncertain significance for Paramyotonia congenita of Von Eulenburg; Hyperkalemic periodic paralysis; Potassium-aggravated myotonia; Hypokalemic periodic paralysis, type 2; Congenital myasthenic syndrome 16; Congenital myopathy 22A, classic; Congenital myopathy 22B, severe fetal. Last evaluated: 2023-12-29. Review status: criteria provided, single submitter. Criteria: ACMG Guidelines, 2015. Collection method: clinical testing. Allele origin: germline.

NM_000334.4(SCN4A):c.3145-5C>A

Genes: GH-LCR (growth hormone locus control region; plus strand), SCN4A (sodium voltage-gated channel alpha subunit 4; minus strand). Cytogenetic location: 17q23.3.
Variant type: single nucleotide variant.
Coding change: c.3145-5C>A on transcript NM_000334.4 (MANE Select); 5 bases into the intron before coding-DNA position 3145, C replaced by A.
Molecular consequence: intron variant.
Genome position (GRCh38, 1-based): chr17:63,948,068, G>T on the plus strand (C>A on the coding strand, the complement: SCN4A is on the minus strand). VCF-style: chr17-63948068-G-T. GRCh37 (hg19) VCF-style: chr17-62025428-G-T.
Identifiers: ClinVar variation 936441 (VCV000936441.14), dbSNP rs750109872, ClinGen allele CA8709365.